The following is an entry in ClinVar:

NM_000264.5(PTCH1):c.49G>T (p.Gly17Cys)

Genes: PTCH1 (patched 1; minus strand), LOC130002133 (ATAC-STARR-seq lymphoblastoid silent region 20071; plus strand). Cytogenetic location: 9q22.32.
Variant type: single nucleotide variant.
Coding change: c.49G>T on transcript NM_000264.5 (MANE Select); coding-DNA position 49, G replaced by T.
Protein change: p.Gly17Cys; replaces glycine 17 with cysteine.
Molecular consequence: missense variant. On other transcripts: non-coding transcript variant (1), intron variant (3).
Genome position (GRCh38, 1-based): chr9:95,508,313, C>A on the plus strand (G>T on the coding strand, the complement: PTCH1 is on the minus strand). VCF-style: chr9-95508313-C-A. GRCh37 (hg19) VCF-style: chr9-98270595-C-A.
Other names: c.49G>T, p.Gly17Cys (NM_001354918.2); c.199-1714G>T (NM_001083603.3); c.4-1714G>T (NM_001083602.3, NM_001354919.2); short protein forms G17C.
Identifiers: ClinVar variation 5027542 (VCV005027542.1).

ClinVar aggregate classification (germline): Uncertain significance (1 of 4 stars; one submission).

Conditions:
Hereditary cancer-predisposing syndrome. Also called: Neoplastic Syndromes, Hereditary; Tumor predisposition; Hereditary neoplastic syndrome; Hereditary Cancer Syndrome. Identifiers: Orphanet 140162, MedGen C0027672, MeSH D009386, MONDO:0015356.

Submission:

Ambry Genetics
Classification: Uncertain significance for Hereditary cancer-predisposing syndrome. Last evaluated: 2026-08-16. Review status: criteria provided, single submitter. Criteria: Ambry Variant Classification Scheme 2023. Collection method: clinical testing. Allele origin: germline.
Comment: The p.G17C variant (also known as c.49G>T), located in coding exon 1 of the PTCH1 gene, results from a G to T substitution at nucleotide position 49. The glycine at codon 17 is replaced by cysteine, an amino acid with highly dissimilar properties. This amino acid position is conserved. In addition, this alteration is predicted to be tolerated by in silico analysis. Based on the available evidence, the clinical significance of this variant remains unclear.